The following is an entry in ClinVar:

ClinVar aggregate classification (germline): Uncertain significance (1 of 4 stars; one submission).

Submission:

Ambry Genetics
Classification: Uncertain significance. Last evaluated: 2025-06-21. Review status: criteria provided, single submitter. Criteria: Ambry Variant Classification Scheme 2023. Collection method: clinical testing. Allele origin: germline.
Comment: The p.T272A variant (also known as c.814A>G), located in coding exon 8 of the SRP72 gene, results from an A to G substitution at nucleotide position 814. The threonine at codon 272 is replaced by alanine, an amino acid with similar properties. This amino acid position is conserved. In addition, the in silico prediction for this alteration is inconclusive. Based on the available evidence, the clinical significance of this variant remains unclear.

NM_006947.4(SRP72):c.814A>G (p.Thr272Ala)

Gene: SRP72 (signal recognition particle 72; plus strand). Cytogenetic location: 4q12.
Variant type: single nucleotide variant.
Coding change: c.814A>G on transcript NM_006947.4 (MANE Select); coding-DNA position 814, A replaced by G.
Protein change: p.Thr272Ala; replaces threonine 272 with alanine.
Molecular consequence: missense variant. On other transcripts: non-coding transcript variant (1), intron variant (1).
Genome position (GRCh38, 1-based): chr4:56,478,638, A>G. VCF-style: chr4-56478638-A-G. GRCh37 (hg19) VCF-style: chr4-57344804-A-G.
Other names: c.642+1936A>G (NM_001267722.2); short protein forms T272A.
Identifiers: ClinVar variation 4174902 (VCV004174902.1).
Genomic context (GRCh38, chr4:56,478,638, plus strand): 5'-CTTGTTGTTCACAGACCAACAGATGTGGGATTACTAGCTGTAATTGCAAATAACATCATT[A>G]CCATTAACAAGGTATGGAGTATTTGTGCTTTCCATAGATATATTTTACCCTGAAAGCTCA-3'
Protein context (NP_008878.3, residues 262-282): LLAVIANNII[Thr272Ala]INKDQNVFDS